The following is an entry in ClinVar:

NM_004380.3(CREBBP):c.2702C>T (p.Pro901Leu)

Gene: CREBBP (CREB binding lysine acetyltransferase; minus strand). Cytogenetic location: 16p13.3.
Variant type: single nucleotide variant.
Coding change: c.2702C>T on transcript NM_004380.3 (MANE Select); coding-DNA position 2702, C replaced by T.
Protein change: p.Pro901Leu; replaces proline 901 with leucine.
Molecular consequence: missense variant.
Genome position (GRCh38, 1-based): chr16:3,770,748, G>A on the plus strand (C>T on the coding strand, the complement: CREBBP is on the minus strand). VCF-style: chr16-3770748-G-A. GRCh37 (hg19) VCF-style: chr16-3820749-G-A.
Other names: c.2588C>T, p.Pro863Leu (NM_001079846.1); c.2702C>T (NM_004380.2); short protein forms P901L, P863L.
Identifiers: ClinVar variation 2057452 (VCV002057452.6), dbSNP rs1485287458, ClinGen allele CA394551113.
Genomic context (GRCh38, chr16:3,770,748, plus strand): 5'-GCTGCCTGGACTGTAGGGGTGCTCTGGGTTTGGGTAGCACTGGGCACTGAGCCAGGAGTC[G>A]GGGTGGGAGTCTGCCCGGAAGACGACACAGGAGTTGATGGCTGAGTGGGAGCTGCTGGCT-3'
Protein context (NP_004371.2, residues 891-911): PVSSSGQTPT[Pro901Leu]TPGSVPSATQ

ClinVar aggregate classification (germline): Benign/Likely benign. Review status: criteria provided, multiple submitters, no conflicts (2 of 4 stars). 3 submissions from 3 submitters: Benign (1); Likely benign (2). Last evaluated 2025-01-21.

Conditions:
Rubinstein-Taybi syndrome (RSTS). Identifiers: Orphanet 783, MedGen C0035934, MONDO:0019188.
CREBBP-related disorder. Also called: CREBBP-related disorders; CREBBP-related condition.
Menke-Hennekam syndrome 1 (MKHK1). Identifiers: MedGen C5193034, MONDO:0020763, OMIM 618332.
Rubinstein-Taybi syndrome due to CREBBP mutations (RSTS1). Also called: RUBINSTEIN-TAYBI SYNDROME 1, INCOMPLETE; BROAD THUMB-HALLUX SYNDROME; Rubinstein-Taybi syndrome 1; CREBBP-Related Rubinstein-Taybi Syndrome; RUBINSTEIN SYNDROME; BROAD THUMBS AND GREAT TOES, CHARACTERISTIC FACIES, AND IMPAIRED INTELLECTUAL DEVELOPMENT. Identifiers: Orphanet 353277, Orphanet 783, MedGen C4551859, MONDO:0008393, OMIM 180849.

Allele frequency attached by ClinVar (database versions not stated): TOPMed 0.00001; gnomAD 0.00002; gnomAD exomes 0.00002.
gnomAD v4.1: 38 of 1,613,980 alleles (0.0024%); highest among the groups gnomAD compares: South Asian, 0.0033%; no homozygotes.

Submissions (3):

PreventionGenetics, part of Exact Sciences
Classification: Likely benign for CREBBP-related condition. Last evaluated: 2025-01-21. Review status: criteria provided, single submitter. Criteria: ACMG Guidelines, 2015. Collection method: clinical testing. Allele origin: germline.
Comment: This variant is classified as likely benign based on ACMG/AMP sequence variant interpretation guidelines (Richards et al. 2015 PMID: 25741868, with internal and published modifications).

Fulgent Genetics
Classification: Likely benign for Rubinstein-Taybi syndrome due to CREBBP mutations; Menke-Hennekam syndrome 1. Last evaluated: 2024-06-24. Review status: criteria provided, single submitter. Criteria: ACMG Guidelines, 2015. Collection method: clinical testing. Allele origin: germline.

Labcorp Genetics (formerly Invitae), Labcorp
Classification: Benign for Rubinstein-Taybi syndrome. Last evaluated: 2022-09-30. Review status: criteria provided, single submitter. Criteria: Invitae Variant Classification Sherloc (09022015). Collection method: clinical testing. Allele origin: germline.